The following is an entry in ClinVar:

NM_007294.4(BRCA1):c.2223T>C (p.Ser741=)

Gene: BRCA1 (BRCA1 DNA repair associated; minus strand). Cytogenetic location: 17q21.31.
Variant type: single nucleotide variant.
Coding change: c.2223T>C on transcript NM_007294.4 (MANE Select); coding-DNA position 2223, T replaced by C.
Protein change: p.Ser741=; no amino-acid change (serine 741 retained).
Molecular consequence: synonymous variant. On other transcripts: intron variant (137).
Genome position (GRCh38, 1-based): chr17:43,093,308, A>G on the plus strand (T>C on the coding strand, the complement: BRCA1 is on the minus strand). VCF-style: chr17-43093308-A-G. GRCh37 (hg19) VCF-style: chr17-41245325-A-G.
Other names: c.2010T>C, p.Ser670= (NM_001407571.1, NM_001407853.1, NM_001407894.1 and 9 more transcripts); c.2223T>C, p.Ser741= (NM_001407581.1, NM_001407582.1, NM_001407583.1 and 30 more transcripts); c.2220T>C, p.Ser740= (NM_001407587.1, NM_001407590.1, NM_001407591.1 and 22 more transcripts); c.2214T>C, p.Ser738= (NM_001407646.1, NM_001407647.1); c.2100T>C, p.Ser700= (NM_001407648.1, NM_001407664.1, NM_001407665.1 and 19 more transcripts); c.2097T>C, p.Ser699= (NM_001407649.1, NM_001407670.1, NM_001407671.1 and 11 more transcripts); c.2145T>C, p.Ser715= (NM_001407653.1, NM_001407654.1, NM_001407655.1 and 4 more transcripts); c.2142T>C, p.Ser714= (NM_001407659.1, NM_001407660.1, NM_001407661.1 and 1 more transcripts); and 41 more.
Identifiers: ClinVar variation 491043 (VCV000491043.11), dbSNP rs1555590129, ClinGen allele CA500233225.
Genomic context (GRCh38, chr17:43,093,308, plus strand): 5'-TTCAGTTTGCAAAACCCTTTCTCCACTTAACATGAGATCTTTGGGGTCTTCAGCATTATT[A>G]GACACTTTAACTGTTTCTAGTTTCTCTTCTTTTTCTTCTCTTGGAAGGCTAGGATTGACA-3'
Protein context (NP_009225.1, residues 731-751): KEEKLETVKV[Ser741=]NNAEDPKDLM

ClinVar aggregate classification (germline): Likely benign. Review status: criteria provided, multiple submitters, no conflicts (2 of 4 stars). 3 submissions from 3 submitters: Likely benign (3). Last evaluated 2025-03-04.

Conditions:
Hereditary cancer-predisposing syndrome. Also called: Hereditary Cancer Syndrome; Neoplastic Syndromes, Hereditary; Tumor predisposition; Hereditary neoplastic syndrome. Identifiers: Orphanet 140162, MedGen C0027672, MeSH D009386, MONDO:0015356.

Submissions (3):

Center for Genomic Medicine, Rigshospitalet, Copenhagen University Hospital
Classification: Likely benign. Last evaluated: 2025-03-04. Review status: criteria provided, single submitter. Criteria: ACMG Guidelines, 2015. Collection method: clinical testing. Allele origin: germline.

GeneDx
Classification: Likely benign. Last evaluated: 2017-09-25. Review status: criteria provided, single submitter. Criteria: GeneDx Variant Classification (06012015). Collection method: clinical testing. Allele origin: germline. Affected: yes.
Comment: This variant is considered likely benign or benign based on one or more of the following criteria: it is a conservative change, it occurs at a poorly conserved position in the protein, it is predicted to be benign by multiple in silico algorithms, and/or has population frequency not consistent with disease.

Color Diagnostics, LLC DBA Color Health
Classification: Likely benign for Hereditary cancer-predisposing syndrome. Last evaluated: 2017-06-12. Review status: criteria provided, single submitter. Criteria: ACMG Guidelines, 2015. Collection method: clinical testing. Allele origin: germline.